The following is an entry in ClinVar:

ClinVar aggregate classification (germline): Likely pathogenic. Review status: criteria provided, single submitter (1 of 4 stars). 2 submissions from 2 submitters: Likely pathogenic (1). 1 of the submissions does not count toward it. Last evaluated 2023-08-25.

Conditions:
Congenital myasthenic syndrome 9. Also called: Myasthenic syndrome, congenital, 9, associated with acetylcholine receptor deficiency. Identifiers: Orphanet 590, MedGen C4225368, MONDO:0014587, OMIM 616325.

Submissions (2):

Mayo Clinic Laboratories, Mayo Clinic
Classification: Likely pathogenic. Last evaluated: 2023-08-25. Review status: criteria provided, single submitter. Criteria: ACMG Guidelines, 2015. Collection method: clinical testing. Allele origin: germline. Observed: 1 variant allele.
Comment: PP3, PM2_moderate, PM3, PS3

OMIM
Classification: Pathogenic for MYASTHENIC SYNDROME, CONGENITAL, 9, ASSOCIATED WITH ACETYLCHOLINE RECEPTOR DEFICIENCY. Last evaluated: 2010-06-15. Review status: no assertion criteria provided. Collection method: literature only. Allele origin: germline. Not counted in ClinVar's aggregate classification.

Literature cited by the submitters: PubMed 20371544 (cited by Mayo Clinic Laboratories, Mayo Clinic and OMIM); PubMed 23326516 (cited by Mayo Clinic Laboratories, Mayo Clinic); PubMed 24183479 (cited by Mayo Clinic Laboratories, Mayo Clinic); PubMed 25537362 (cited by Mayo Clinic Laboratories, Mayo Clinic); PubMed 25562515 (cited by Mayo Clinic Laboratories, Mayo Clinic); PubMed 27544236 (cited by Mayo Clinic Laboratories, Mayo Clinic); PubMed 27588369 (cited by Mayo Clinic Laboratories, Mayo Clinic); PubMed 29704306 (cited by Mayo Clinic Laboratories, Mayo Clinic); PubMed 30719842 (cited by Mayo Clinic Laboratories, Mayo Clinic).

NM_005592.4(MUSK):c.2180C>T (p.Ala727Val)

Gene: MUSK (muscle associated receptor tyrosine kinase; plus strand). Cytogenetic location: 9q31.3.
Variant type: single nucleotide variant.
Coding change: c.2180C>T on transcript NM_005592.4 (MANE Select); coding-DNA position 2180, C replaced by T.
Protein change: p.Ala727Val; replaces alanine 727 with valine.
Molecular consequence: missense variant.
Genome position (GRCh38, 1-based): chr9:110,800,558, C>T. VCF-style: chr9-110800558-C-T. GRCh37 (hg19) VCF-style: chr9-113562838-C-T.
Other names: c.1922C>T, p.Ala641Val (NM_001166280.2); c.1892C>T, p.Ala631Val (NM_001166281.2); c.920C>T, p.Ala307Val (NM_001369398.1); short protein forms A727V, A631V, A641V, A307V.
Identifiers: ClinVar variation 60522 (VCV000060522.3), dbSNP rs397515450, ClinGen allele CA249738.